The following is an entry in ClinVar:

ClinVar aggregate classification (germline): Uncertain significance (1 of 4 stars; one submission).

Allele frequency attached by ClinVar (database versions not stated): ExAC 0.00001; gnomAD 0.00001; gnomAD exomes 0.00002; TOPMed 0.00002.
gnomAD v4.1: 35 of 1,613,944 alleles (0.0022%); highest among the groups gnomAD compares: Non-Finnish European, 0.0028%; no homozygotes.

Submission:

Labcorp Genetics (formerly Invitae), Labcorp
Classification: Uncertain significance. Last evaluated: 2022-04-15. Review status: criteria provided, single submitter. Criteria: Invitae Variant Classification Sherloc (09022015). Collection method: clinical testing. Allele origin: germline.
Comment: Algorithms developed to predict the effect of sequence changes on RNA splicing suggest that this variant may create or strengthen a splice site. In summary, the available evidence is currently insufficient to determine the role of this variant in disease. Therefore, it has been classified as a Variant of Uncertain Significance. Algorithms developed to predict the effect of missense changes on protein structure and function are either unavailable or do not agree on the potential impact of this missense change (SIFT: "Deleterious"; PolyPhen-2: "Probably Damaging"; Align-GVGD: "Class C0"). This variant has not been reported in the literature in individuals affected with PKD1L1-related conditions. This variant is present in population databases (rs776179207, gnomAD 0.003%). This sequence change replaces asparagine, which is neutral and polar, with serine, which is neutral and polar, at codon 1584 of the PKD1L1 protein (p.Asn1584Ser).

NM_138295.5(PKD1L1):c.4751A>G (p.Asn1584Ser)

Gene: PKD1L1 (polycystin 1 like 1, transient receptor potential channel interacting; minus strand). Cytogenetic location: 7p12.3.
Variant type: single nucleotide variant.
Coding change: c.4751A>G on transcript NM_138295.5 (MANE Select); coding-DNA position 4751, A replaced by G.
Protein change: p.Asn1584Ser; replaces asparagine 1584 with serine.
Molecular consequence: missense variant.
Genome position (GRCh38, 1-based): chr7:47,854,990, T>C on the plus strand (A>G on the coding strand, the complement: PKD1L1 is on the minus strand). VCF-style: chr7-47854990-T-C. GRCh37 (hg19) VCF-style: chr7-47894588-T-C.
Other names: short protein forms N1584S.
Identifiers: ClinVar variation 2190376 (VCV002190376.4), dbSNP rs776179207, ClinGen allele CA4253032.
Genomic context (GRCh38, chr7:47,854,990, plus strand): 5'-TCAATTTCTATCTGTAGAGATTCCTGGGGGTTTTCGGAAAGCTCAGTGAACTGATGGAGA[T>C]TCACTTTATCCCGAAGTAATACAAATGTCGTTTTATTTCTCCTATTATCCTGTCATCACA-3'
Protein context (NP_612152.1, residues 1574-1594): TTFVLLRDKV[Asn1584Ser]LHQFTELSEN